The following is an entry in ClinVar:

ClinVar aggregate classification (germline): Uncertain significance (1 of 4 stars; one submission).

Conditions:
Hereditary cancer-predisposing syndrome. Also called: Tumor predisposition; Neoplastic Syndromes, Hereditary; Hereditary Cancer Syndrome; Hereditary neoplastic syndrome. Identifiers: Orphanet 140162, MedGen C0027672, MeSH D009386, MONDO:0015356.

Submission:

Ambry Genetics
Classification: Uncertain significance for Hereditary cancer-predisposing syndrome. Last evaluated: 2026-02-11. Review status: criteria provided, single submitter. Criteria: Ambry Variant Classification Scheme 2023. Collection method: clinical testing. Allele origin: germline.
Comment: The c.2515-3C>A intronic variant results from a C to A substitution 3 nucleotides upstream from coding exon 6 in the PALB2 gene. This nucleotide position is highly conserved in available vertebrate species. In silico splice site analysis predicts that this alteration will weaken the native splice acceptor site. Based on the available evidence, the clinical significance of this variant remains unclear.

NM_024675.4(PALB2):c.2515-3C>A

Gene: PALB2 (partner and localizer of BRCA2; minus strand). Cytogenetic location: 16p12.2.
Variant type: single nucleotide variant.
Coding change: c.2515-3C>A on transcript NM_024675.4 (MANE Select); 3 bases into the intron before coding-DNA position 2515, C replaced by A.
Molecular consequence: intron variant.
Genome position (GRCh38, 1-based): chr16:23,629,278, G>T on the plus strand (C>A on the coding strand, the complement: PALB2 is on the minus strand). VCF-style: chr16-23629278-G-T. GRCh37 (hg19) VCF-style: chr16-23640599-G-T.
Identifiers: ClinVar variation 821386 (VCV000821386.5), dbSNP rs957106428, ClinGen allele CA915949179.